The following is an entry in ClinVar:

NM_001267550.2(TTN):c.54381G>C (p.Gly18127=)

Genes: TTN-AS1 (TTN antisense RNA 1; plus strand), TTN (titin; minus strand). Cytogenetic location: 2q31.2.
Variant type: single nucleotide variant.
Coding change: c.54381G>C on transcript NM_001267550.2 (MANE Select); coding-DNA position 54381, G replaced by C.
Protein change: p.Gly18127=; no amino-acid change (glycine 18127 retained).
Molecular consequence: synonymous variant.
Genome position (GRCh38, 1-based): chr2:178,604,708, C>G on the plus strand (G>C on the coding strand, the complement: TTN is on the minus strand). VCF-style: chr2-178604708-C-G. GRCh37 (hg19) VCF-style: chr2-179469435-C-G.
Other names: NC_000002.11:g.179469435C>G; c.49458G>C, p.Gly16486= (NM_001256850.1); c.27186G>C, p.Gly9062= (NM_003319.4); c.46677G>C, p.Gly15559= (NM_133378.4); c.27561G>C, p.Gly9187= (NM_133432.3); c.27762G>C, p.Gly9254= (NM_133437.4).
Identifiers: ClinVar variation 4506543 (VCV004506543.2).

ClinVar aggregate classification (germline): Uncertain significance (1 of 4 stars; one submission).

Conditions:
Dilated cardiomyopathy 1G (CMD1G). Identifiers: Orphanet 154, MedGen C1858763, MONDO:0011400, OMIM 604145.
Autosomal recessive limb-girdle muscular dystrophy type 2J (LGMDR10). Also called: Limb-girdle muscular dystrophy, type 2J; MUSCULAR DYSTROPHY, LIMB-GIRDLE, AUTOSOMAL RECESSIVE 10. Identifiers: Orphanet 140922, MedGen C1837342, MONDO:0012127, OMIM 608807.

Submissions (2):

Labcorp Genetics (formerly Invitae), Labcorp
Classification: Uncertain significance for Dilated cardiomyopathy 1G; Autosomal recessive limb-girdle muscular dystrophy type 2J. Last evaluated: 2025-08-08. Review status: criteria provided, single submitter. Criteria: Invitae Variant Classification Sherloc (09022015). Collection method: clinical testing. Allele origin: germline.
Comment: This sequence change affects codon 18127 of the TTN mRNA. It is a 'silent' change, meaning that it does not change the encoded amino acid sequence of the TTN protein. This variant also falls at the last nucleotide of exon 281, which is part of the consensus splice site for this exon. This variant is not present in population databases (gnomAD no frequency). This variant has not been reported in the literature in individuals affected with TTN-related conditions. Variants that disrupt the consensus splice site are a relatively common cause of aberrant splicing (PMID: 17576681, 9536098). Algorithms developed to predict the effect of sequence changes on RNA splicing suggest that this variant may disrupt the consensus splice site. This variant is located in the A band of TTN (PMID: 25589632). Variants in this region may be relevant for cardiac or neuromuscular disorders (PMID: 25589632, 23975875). In summary, the available evidence is currently insufficient to determine the role of this variant in disease. Therefore, it has been classified as a Variant of Uncertain Significance.

Dr. Peter K. Rogan Lab, Western University
No classification provided (evidence only). Condition: Familial cancer of breast. Review status: no classification provided. Collection method: in vitro. Allele origin: not applicable. Functional consequence: retained intron. Not counted in ClinVar's aggregate classification.

Literature cited by the submitters: PubMed 17576681 (cited by Labcorp Genetics (formerly Invitae), Labcorp); PubMed 9536098 (cited by Labcorp Genetics (formerly Invitae), Labcorp); PubMed 25589632 (cited by Labcorp Genetics (formerly Invitae), Labcorp); PubMed 23975875 (cited by Labcorp Genetics (formerly Invitae), Labcorp).